The following is an entry in ClinVar:

ClinVar aggregate classification (germline): Uncertain significance (1 of 4 stars; one submission).

Submission:

Ambry Genetics
Classification: Uncertain significance. Last evaluated: 2026-05-19. Review status: criteria provided, single submitter. Criteria: Ambry Variant Classification Scheme 2023. Collection method: clinical testing. Allele origin: germline.
Comment: The p.T55S variant (also known as c.164C>G), located in coding exon 1 of the GALNT12 gene, results from a C to G substitution at nucleotide position 164. The threonine at codon 55 is replaced by serine, an amino acid with similar properties. This amino acid position is conserved. In addition, this alteration is predicted to be tolerated by in silico analysis. Based on the available evidence, the clinical significance of this variant remains unclear.

NM_024642.5(GALNT12):c.164C>G (p.Thr55Ser)

Gene: GALNT12 (polypeptide N-acetylgalactosaminyltransferase 12; plus strand). Cytogenetic location: 9q22.33.
Variant type: single nucleotide variant.
Coding change: c.164C>G on transcript NM_024642.5 (MANE Select); coding-DNA position 164, C replaced by G.
Protein change: p.Thr55Ser; replaces threonine 55 with serine.
Molecular consequence: missense variant.
Genome position (GRCh38, 1-based): chr9:98,807,862, C>G. VCF-style: chr9-98807862-C-G. GRCh37 (hg19) VCF-style: chr9-101570144-C-G.
Other names: short protein forms T55S.
Identifiers: ClinVar variation 4871631 (VCV004871631.1).